The following is an entry in ClinVar:

ClinVar aggregate classification (germline): Uncertain significance (1 of 4 stars; one submission).

gnomAD v4.1: 1 of 1,614,030 alleles (0.000062%); highest among the groups gnomAD compares: Non-Finnish European, 0.000085%; no homozygotes.

Submission:

Greenwood Genetic Center Diagnostic Laboratories, Greenwood Genetic Center
Classification: Uncertain significance. Last evaluated: 2025-06-12. Review status: criteria provided, single submitter. Criteria: ACMG Guidelines, 2015. Collection method: clinical testing. Allele origin: germline. Affected: yes.
Comment: PM2, BP4

NM_001375524.1(TRRAP):c.11382T>C (p.Ala3794=)

Gene: TRRAP (transformation/transcription domain associated protein; plus strand). Cytogenetic location: 7q22.1.
Variant type: single nucleotide variant.
Coding change: c.11382T>C on transcript NM_001375524.1 (MANE Select); coding-DNA position 11382, T replaced by C.
Protein change: p.Ala3794=; no amino-acid change (alanine 3794 retained).
Molecular consequence: synonymous variant.
Genome position (GRCh38, 1-based): chr7:99,012,115, T>C. VCF-style: chr7-99012115-T-C. GRCh37 (hg19) VCF-style: chr7-98609738-T-C.
Other names: c.11340T>C, p.Ala3780= (NM_001244580.2); c.11253T>C, p.Ala3751= (NM_003496.4).
Identifiers: ClinVar variation 4538308 (VCV004538308.1).